The following is an entry in ClinVar:

ClinVar aggregate classification (germline): Likely benign (1 of 4 stars; one submission).

Allele frequency attached by ClinVar (database versions not stated): gnomAD exomes below 0.00001.
gnomAD v4.1: 1 of 1,611,320 alleles (0.000062%); highest among the groups gnomAD compares: Non-Finnish European, 0.000085%; no homozygotes.

Submission:

CeGaT Center for Human Genetics Tuebingen
Classification: Likely benign. Last evaluated: 2022-03-01. Review status: criteria provided, single submitter. Criteria: CeGaT Center For Human Genetics Tuebingen Variant Classification Criteria Version 2. Collection method: clinical testing. Allele origin: germline. Affected: yes. Observed: 1 variant allele.
Comment: PIK3R2: PM2:Supporting, BP4, BP7

NM_005027.4(PIK3R2):c.468C>T (p.Asp156=)

Gene: PIK3R2 (phosphoinositide-3-kinase regulatory subunit 2; plus strand). Cytogenetic location: 19p13.11.
Variant type: single nucleotide variant.
Coding change: c.468C>T on transcript NM_005027.4 (MANE Select); coding-DNA position 468, C replaced by T.
Protein change: p.Asp156=; no amino-acid change (aspartic acid 156 retained).
Molecular consequence: synonymous variant. On other transcripts: non-coding transcript variant (2).
Genome position (GRCh38, 1-based): chr19:18,161,055, C>T. VCF-style: chr19-18161055-C-T. GRCh37 (hg19) VCF-style: chr19-18271865-C-T.
Identifiers: ClinVar variation 2649568 (VCV002649568.24), dbSNP rs2513561197, ClinGen allele CA506108374.